The following is an entry in ClinVar:

ClinVar aggregate classification (germline): Uncertain significance. Review status: criteria provided, multiple submitters, no conflicts (2 of 4 stars). 2 submissions from 2 submitters: Uncertain significance (2). Last evaluated 2026-03-25.

Conditions:
Pheochromocytoma. Also called: MAX-Related Hereditary Paraganglioma-Pheochromocytoma Syndrome. Identifiers: Orphanet 29072, MedGen C0031511, MONDO:0008233, OMIM 171300, HP:0002666.
Pheochromocytoma/paraganglioma syndrome 4. Also called: CAROTID BODY TUMORS AND MULTIPLE EXTRAADRENAL PHEOCHROMOCYTOMAS; PARAGANGLIOMA, FAMILIAL MALIGNANT; PARAGANGLIOMAS, HEREDITARY EXTRAADRENAL; PHEOCHROMOCYTOMA, FAMILIAL EXTRAADRENAL; Paragangliomas 4; SDHB-Related Hereditary Paraganglioma-Pheochromocytoma Syndrome (Paragangliomas 4). Identifiers: Orphanet 29072, MedGen C1861848, MONDO:0007273, OMIM 115310.
Gastrointestinal stromal tumor. Also called: Gastrointestinal stromal tumor, somatic; Gastrointestinal stroma tumor. Identifiers: Orphanet 44890, MedGen C0238198, MeSH D046152, MONDO:0011719, OMIM 606764, HP:0100723.
Hereditary cancer-predisposing syndrome. Also called: Neoplastic Syndromes, Hereditary; Tumor predisposition; Hereditary Cancer Syndrome; Hereditary neoplastic syndrome. Identifiers: Orphanet 140162, MedGen C0027672, MeSH D009386, MONDO:0015356.

gnomAD v4.1: 2 of 1,614,138 alleles (0.00012%); highest among the groups gnomAD compares: Non-Finnish European, 0.00017%; no homozygotes.

Submissions (2):

Ambry Genetics
Classification: Uncertain significance for Hereditary cancer-predisposing syndrome. Last evaluated: 2026-03-25. Review status: criteria provided, single submitter. Criteria: Ambry Variant Classification Scheme 2023. Collection method: clinical testing. Allele origin: germline.
Comment: The p.W47R variant (also known as c.139T>A), located in coding exon 2 of the SDHB gene, results from a T to A substitution at nucleotide position 139. The tryptophan at codon 47 is replaced by arginine, an amino acid with dissimilar properties. This amino acid position is highly conserved in available vertebrate species. In addition, this alteration is predicted to be deleterious by in silico analysis. Based on the available evidence, the clinical significance of this variant remains unclear.

Labcorp Genetics (formerly Invitae), Labcorp
Classification: Uncertain significance for Gastrointestinal stromal tumor; Pheochromocytoma/paraganglioma syndrome 4; Pheochromocytoma. Last evaluated: 2024-07-03. Review status: criteria provided, single submitter. Criteria: Invitae Variant Classification Sherloc (09022015). Collection method: clinical testing. Allele origin: germline.
Comment: This sequence change replaces tryptophan, which is neutral and slightly polar, with arginine, which is basic and polar, at codon 47 of the SDHB protein (p.Trp47Arg). This variant is not present in population databases (gnomAD no frequency). This variant has not been reported in the literature in individuals affected with SDHB-related conditions. ClinVar contains an entry for this variant (Variation ID: 1771745). Advanced modeling of protein sequence and biophysical properties (such as structural, functional, and spatial information, amino acid conservation, physicochemical variation, residue mobility, and thermodynamic stability) performed at Invitae indicates that this missense variant is expected to disrupt SDHB protein function with a positive predictive value of 80%. In summary, the available evidence is currently insufficient to determine the role of this variant in disease. Therefore, it has been classified as a Variant of Uncertain Significance.

NM_003000.3(SDHB):c.139T>A (p.Trp47Arg)

Gene: SDHB (succinate dehydrogenase complex iron sulfur subunit B; minus strand). Cytogenetic location: 1p36.13.
Variant type: single nucleotide variant.
Coding change: c.139T>A on transcript NM_003000.3 (MANE Select); coding-DNA position 139, T replaced by A.
Protein change: p.Trp47Arg; replaces tryptophan 47 with arginine.
Molecular consequence: missense variant.
Genome position (GRCh38, 1-based): chr1:17,044,822, A>T on the plus strand (T>A on the coding strand, the complement: SDHB is on the minus strand). VCF-style: chr1-17044822-A-T. GRCh37 (hg19) VCF-style: chr1-17371317-A-T.
Other names: c.139T>A, p.Trp47Arg (NM_001407361.1); short protein forms W47R.
Identifiers: ClinVar variation 1771745 (VCV001771745.5), dbSNP rs2525059756, ClinGen allele CA338228089.